The following is an entry in ClinVar:

ClinVar aggregate classification (germline): Uncertain significance (1 of 4 stars; one submission).

Allele frequency attached by ClinVar (database versions not stated): gnomAD exomes 0.00001.
gnomAD v4.1: 15 of 1,613,126 alleles (0.00093%); highest among the groups gnomAD compares: Non-Finnish European, 0.0013%; no homozygotes.

Submission:

Labcorp Genetics (formerly Invitae), Labcorp
Classification: Uncertain significance. Last evaluated: 2022-11-08. Review status: criteria provided, single submitter. Criteria: Invitae Variant Classification Sherloc (09022015). Collection method: clinical testing. Allele origin: germline.
Comment: In summary, the available evidence is currently insufficient to determine the role of this variant in disease. Therefore, it has been classified as a Variant of Uncertain Significance. Algorithms developed to predict the effect of missense changes on protein structure and function output the following: SIFT: "Not Available"; PolyPhen-2: "Benign"; Align-GVGD: "Not Available". The glycine amino acid residue is found in multiple mammalian species, which suggests that this missense change does not adversely affect protein function. This variant has not been reported in the literature in individuals affected with MYO18B-related conditions. This variant is present in population databases (no rsID available, gnomAD 0.0009%). This sequence change replaces glutamic acid, which is acidic and polar, with glycine, which is neutral and non-polar, at codon 387 of the MYO18B protein (p.Glu387Gly).

NM_032608.7(MYO18B):c.1160A>G (p.Glu387Gly)

Gene: MYO18B (myosin XVIIIB; plus strand). Cytogenetic location: 22q12.1.
Variant type: single nucleotide variant.
Coding change: c.1160A>G on transcript NM_032608.7 (MANE Select); coding-DNA position 1160, A replaced by G.
Protein change: p.Glu387Gly; replaces glutamic acid 387 with glycine.
Molecular consequence: missense variant.
Genome position (GRCh38, 1-based): chr22:25,769,076, A>G. VCF-style: chr22-25769076-A-G. GRCh37 (hg19) VCF-style: chr22-26165043-A-G.
Other names: c.1160A>G, p.Glu387Gly (NM_001318245.2); short protein forms E387G.
Identifiers: ClinVar variation 2093406 (VCV002093406.4), dbSNP rs1338926031, ClinGen allele CA411004262.